The following is an entry in ClinVar:

NM_000465.4(BARD1):c.113G>C (p.Arg38Pro)

Gene: BARD1 (BRCA1 associated RING domain 1; minus strand). Cytogenetic location: 2q35.
Variant type: single nucleotide variant.
Coding change: c.113G>C on transcript NM_000465.4 (MANE Select); coding-DNA position 113, G replaced by C.
Protein change: p.Arg38Pro; replaces arginine 38 with proline.
Molecular consequence: missense variant. On other transcripts: non-coding transcript variant (3).
Genome position (GRCh38, 1-based): chr2:214,809,457, C>G on the plus strand (G>C on the coding strand, the complement: BARD1 is on the minus strand). VCF-style: chr2-214809457-C-G. GRCh37 (hg19) VCF-style: chr2-215674181-C-G.
Other names: c.113G>C, p.Arg38Pro (NM_001282543.2, NM_001282545.2, NM_001282548.2 and 1 more transcripts); short protein forms R38P.
Identifiers: ClinVar variation 1730895 (VCV001730895.5), dbSNP rs2106171086, ClinGen allele CA350464970.

ClinVar aggregate classification (germline): Uncertain significance. Review status: criteria provided, multiple submitters, no conflicts (2 of 4 stars). 2 submissions from 2 submitters: Uncertain significance (2). Last evaluated 2024-09-30.

Conditions:
Hereditary cancer-predisposing syndrome. Also called: Neoplastic Syndromes, Hereditary; Tumor predisposition; Hereditary Cancer Syndrome; Hereditary neoplastic syndrome. Identifiers: Orphanet 140162, MedGen C0027672, MeSH D009386, MONDO:0015356.
Familial cancer of breast. Also called: BREAST CANCER, FAMILIAL; Hereditary breast cancer; hereditary breast carcinoma. Identifiers: Orphanet 227535, MedGen C0346153, MONDO:0016419, OMIM 114480. Disease mechanism: loss of function.

Submissions (2):

Labcorp Genetics (formerly Invitae), Labcorp
Classification: Uncertain significance for Familial cancer of breast. Last evaluated: 2024-09-30. Review status: criteria provided, single submitter. Criteria: Invitae Variant Classification Sherloc (09022015). Collection method: clinical testing. Allele origin: germline.
Comment: This sequence change replaces arginine, which is basic and polar, with proline, which is neutral and non-polar, at codon 38 of the BARD1 protein (p.Arg38Pro). This variant is not present in population databases (gnomAD no frequency). This variant has not been reported in the literature in individuals affected with BARD1-related conditions. ClinVar contains an entry for this variant (Variation ID: 1730895). An algorithm developed to predict the effect of missense changes on protein structure and function (PolyPhen-2) suggests that this variant is likely to be disruptive. In summary, the available evidence is currently insufficient to determine the role of this variant in disease. Therefore, it has been classified as a Variant of Uncertain Significance.

Ambry Genetics
Classification: Uncertain significance for Hereditary cancer-predisposing syndrome. Last evaluated: 2022-08-22. Review status: criteria provided, single submitter. Criteria: Ambry Variant Classification Scheme 2023. Collection method: clinical testing. Allele origin: germline.
Comment: The p.R38P variant (also known as c.113G>C), located in coding exon 1 of the BARD1 gene, results from a G to C substitution at nucleotide position 113. The arginine at codon 38 is replaced by proline, an amino acid with dissimilar properties. This amino acid position is conserved. In addition, this alteration is predicted to be deleterious by in silico analysis. Since supporting evidence is limited at this time, the clinical significance of this alteration remains unclear.